The following is an entry in ClinVar:

NM_015557.3(CHD5):c.4093C>T (p.Leu1365Phe)

Gene: CHD5 (chromodomain helicase DNA binding protein 5; minus strand). Cytogenetic location: 1p36.31.
Variant type: single nucleotide variant.
Coding change: c.4093C>T on transcript NM_015557.3 (MANE Select); coding-DNA position 4093, C replaced by T.
Protein change: p.Leu1365Phe; replaces leucine 1365 with phenylalanine.
Molecular consequence: missense variant.
Genome position (GRCh38, 1-based): chr1:6,125,844, G>A on the plus strand (C>T on the coding strand, the complement: CHD5 is on the minus strand). VCF-style: chr1-6125844-G-A. GRCh37 (hg19) VCF-style: chr1-6185904-G-A.
Other names: short protein forms L1365F.
Identifiers: ClinVar variation 3902077 (VCV003902077.1).

ClinVar aggregate classification (germline): Uncertain significance (1 of 4 stars; one submission).

Conditions:
Parenti-mignot neurodevelopmental syndrome. Identifiers: MedGen C5676984, MONDO:0859249, OMIM 619873.

gnomAD v4.1: 1 of 1,611,824 alleles (0.000062%); highest among the groups gnomAD compares: African/African-American, 0.0013%; no homozygotes.

Submission:

Laboratorio de Genetica e Diagnostico Molecular, Hospital Israelita Albert Einstein
Classification: Uncertain significance for Parenti-mignot neurodevelopmental syndrome. Last evaluated: 2024-02-09. Review status: criteria provided, single submitter. Criteria: ACMG Guidelines, 2015. Collection method: clinical testing. Allele origin: germline. Affected: yes.
Comment: ACMG classification criteria: PM2 supporting, BP4 supporting